The following is an entry in ClinVar:

ClinVar aggregate classification (germline): Likely benign. Review status: criteria provided, multiple submitters, no conflicts (2 of 4 stars). 2 submissions from 2 submitters: Likely benign (2). Last evaluated 2026-05-01.

Allele frequency attached by ClinVar (database versions not stated): gnomAD exomes below 0.00001.

Submissions (2):

CeGaT Center for Human Genetics Tuebingen
Classification: Likely benign. Last evaluated: 2026-05-01. Review status: criteria provided, single submitter. Criteria: CeGaT Center For Human Genetics Tuebingen Variant Classification Criteria Version 2. Collection method: clinical testing. Allele origin: germline. Affected: yes. Observed: 1 variant allele.
Comment: RHOBTB2: BP4, BP7

Labcorp Genetics (formerly Invitae), Labcorp
Classification: Likely benign. Last evaluated: 2023-10-13. Review status: criteria provided, single submitter. Criteria: Invitae Variant Classification Sherloc (09022015). Collection method: clinical testing. Allele origin: germline.

NM_015178.3(RHOBTB2):c.879T>C (p.Tyr293=)

Gene: RHOBTB2 (Rho related BTB domain containing 2; plus strand). Cytogenetic location: 8p21.3.
Variant type: single nucleotide variant.
Coding change: c.879T>C on transcript NM_015178.3 (MANE Select); coding-DNA position 879, T replaced by C.
Protein change: p.Tyr293=; no amino-acid change (tyrosine 293 retained).
Molecular consequence: synonymous variant.
Genome position (GRCh38, 1-based): chr8:23,007,124, T>C. VCF-style: chr8-23007124-T-C. GRCh37 (hg19) VCF-style: chr8-22864637-T-C.
Other names: c.945T>C, p.Tyr315= (NM_001160036.2); c.900T>C, p.Tyr300= (NM_001160037.2); c.879T>C, p.Tyr293= (NM_001374791.1).
Identifiers: ClinVar variation 2973731 (VCV002973731.5), dbSNP rs1447654532, ClinGen allele CA460178139.